The following is an entry in ClinVar:

ClinVar aggregate classification (germline): Uncertain significance. Review status: criteria provided, multiple submitters, no conflicts (2 of 4 stars). 3 submissions from 3 submitters: Uncertain significance (3). Last evaluated 2025-12-15.

Conditions:
Potassium-aggravated myotonia. Also called: MYOTONIA CONGENITA, ACETAZOLAMIDE-RESPONSIVE; MYOTONIA CONGENITA, ATYPICAL; SODIUM CHANNEL MUSCLE DISEASE; Myotonia congenita, atypical, acetazolamide-responsive. Identifiers: Orphanet 612, Orphanet 99734, Orphanet 99735, Orphanet 99736, MedGen C2931826, MONDO:0018959, OMIM 608390.
Hypokalemic periodic paralysis, type 2 (HOKPP2). Identifiers: Orphanet 681, MedGen C2750061, MONDO:0013234, OMIM 613345.
Paramyotonia congenita of Von Eulenburg. Also called: PARALYSIS PERIODICA PARAMYOTONICA; Paramyotonia Congenita; Eulenburg disease; Myotonia congenita intermittens; Von Eulenburg paramyotonia congenita. Identifiers: Orphanet 684, MedGen C0221055, MONDO:0008195, OMIM 168300. Disease mechanism: loss of function.
Hyperkalemic periodic paralysis. Also called: Familial hyperkalemic periodic paralysis; Gamstorp disease. Identifiers: Orphanet 682, MedGen C0238357, MONDO:0008224, OMIM 170500, HP:0007215.
Hypokalemic periodic paralysis, type 1. Also called: Hypokalemic Periodic Paralysis Type 1 (AD); HypoPP. Identifiers: Orphanet 681, MedGen C3714580, MONDO:0042979, OMIM 170400.
Congenital myasthenic syndrome 16. Identifiers: Orphanet 590, MedGen C3280112, MONDO:0013620, OMIM 614198.

Allele frequency attached by ClinVar (database versions not stated): TOPMed 0.00004; gnomAD exomes below 0.00001 and 0.00002; ExAC 0.00002; gnomAD 0.00003.
gnomAD v4.1: 11 of 1,613,896 alleles (0.00068%); highest among the groups gnomAD compares: Middle Eastern, 0.033%; no homozygotes.

Submissions (3):

Labcorp Genetics (formerly Invitae), Labcorp
Classification: Uncertain significance for Hyperkalemic periodic paralysis. Last evaluated: 2025-12-15. Review status: criteria provided, single submitter. Criteria: Invitae Variant Classification Sherloc (09022015). Collection method: clinical testing. Allele origin: germline.
Comment: This sequence change replaces glycine, which is neutral and non-polar, with serine, which is neutral and polar, at codon 1569 of the SCN4A protein (p.Gly1569Ser). This variant is present in population databases (rs774821803, gnomAD 0.007%). This missense change has been observed in individual(s) with clinical features of SCN4A-related conditions (internal data). ClinVar contains an entry for this variant (Variation ID: 651154). Invitae Evidence Modeling of protein sequence and biophysical properties (such as structural, functional, and spatial information, amino acid conservation, physicochemical variation, residue mobility, and thermodynamic stability) indicates that this missense variant is expected to disrupt SCN4A protein function with a positive predictive value of 95%. In summary, the available evidence is currently insufficient to determine the role of this variant in disease. Therefore, it has been classified as a Variant of Uncertain Significance.

GeneDx
Classification: Uncertain significance. Last evaluated: 2024-03-20. Review status: criteria provided, single submitter. Criteria: GeneDx Variant Classification Process June 2021. Collection method: clinical testing. Allele origin: germline. Affected: yes.
Comment: Not observed at significant frequency in large population cohorts (gnomAD); In silico analysis supports that this missense variant has a deleterious effect on protein structure/function; Has not been previously published as pathogenic or benign to our knowledge

Fulgent Genetics
Classification: Uncertain significance for Paramyotonia congenita of Von Eulenburg; Hypokalemic periodic paralysis, type 1; Hyperkalemic periodic paralysis; Potassium-aggravated myotonia; Hypokalemic periodic paralysis, type 2; Congenital myasthenic syndrome 16. Last evaluated: 2021-12-09. Review status: criteria provided, single submitter. Criteria: ACMG Guidelines, 2015. Collection method: clinical testing. Allele origin: unknown.

NM_000334.4(SCN4A):c.4705G>A (p.Gly1569Ser)

Genes: GH-LCR (growth hormone locus control region; plus strand), SCN4A (sodium voltage-gated channel alpha subunit 4; minus strand). Cytogenetic location: 17q23.3.
Variant type: single nucleotide variant.
Coding change: c.4705G>A on transcript NM_000334.4 (MANE Select); coding-DNA position 4705, G replaced by A.
Protein change: p.Gly1569Ser; replaces glycine 1569 with serine.
Molecular consequence: missense variant.
Genome position (GRCh38, 1-based): chr17:63,941,577, C>T on the plus strand (G>A on the coding strand, the complement: SCN4A is on the minus strand). VCF-style: chr17-63941577-C-T. GRCh37 (hg19) VCF-style: chr17-62018937-C-T.
Other names: short protein forms G1569S.
Identifiers: ClinVar variation 651154 (VCV000651154.11), dbSNP rs774821803, ClinGen allele CA8708913.